The following is an entry in ClinVar:

ClinVar aggregate classification (germline): Uncertain significance (1 of 4 stars; one submission).

Conditions:
Hereditary cancer-predisposing syndrome. Also called: Neoplastic Syndromes, Hereditary; Tumor predisposition; Hereditary neoplastic syndrome; Hereditary Cancer Syndrome. Identifiers: Orphanet 140162, MedGen C0027672, MeSH D009386, MONDO:0015356.

Submission:

Ambry Genetics
Classification: Uncertain significance for Hereditary cancer-predisposing syndrome. Last evaluated: 2026-07-14. Review status: criteria provided, single submitter. Criteria: Ambry Variant Classification Scheme 2023. Collection method: clinical testing. Allele origin: germline.
Comment: The c.3008dupT variant, located in coding exon 23 of the POLD1 gene, results from a duplication of T at nucleotide position 3008, causing a translational frameshift with a predicted alternate stop codon (p.A1004Gfs*24). This alteration is expected to result in loss of function by premature protein truncation or nonsense-mediated mRNA decay. However, loss of function has not been established as a mechanism of disease. Based on the available evidence, the clinical significance of this variant remains unclear.

NM_002691.4(POLD1):c.3008dup (p.Ala1004fs)

Gene: POLD1 (DNA polymerase delta 1, catalytic subunit; plus strand). Cytogenetic location: 19q13.33.
Variant type: Duplication.
Coding change: c.3008dup on transcript NM_002691.4 (MANE Select); coding-DNA position 3008, one base duplicated (T; older notation c.3008dupT).
Protein change: p.Ala1004fs; shifts the reading frame from alanine 1004.
Molecular consequence: frameshift variant. On other transcripts: non-coding transcript variant (1).
Genome position (GRCh38, 1-based): chr19:50,416,664, T duplicated. VCF-style (leftmost placement, unchanged base first): chr19-50416663-C-CT. GRCh37 (hg19) VCF-style: chr19-50919920-C-CT.
Other names: c.3008dup, p.Ala1004fs (NM_001256849.1, NM_001438212.1, NM_001438213.1); c.3086dup, p.Ala1030fs (NM_001308632.1); c.2936dup, p.Ala980fs (NM_001438210.1, NM_001438211.1); short protein forms A980fs, A1004fs, A1030fs.
Identifiers: ClinVar variation 5026983 (VCV005026983.1).